The following is an entry in ClinVar:

ClinVar aggregate classification (germline): Likely pathogenic (1 of 4 stars; one submission).

Submission:

Mayo Clinic Laboratories, Mayo Clinic
Classification: Likely pathogenic. Last evaluated: 2025-03-12. Review status: criteria provided, single submitter. Criteria: ACMG Guidelines, 2015. Collection method: clinical testing. Allele origin: germline. Observed: 1 variant allele.
Comment: PM2_supporting, PVS1

NM_001355436.2(SPTB):c.1885del (p.Arg629fs)

Gene: SPTB (spectrin beta, erythrocytic; minus strand). Cytogenetic location: 14q23.3.
Variant type: Deletion.
Coding change: c.1885del on transcript NM_001355436.2 (MANE Select); coding-DNA position 1885, one base deleted (C; older notation c.1885delC).
Protein change: p.Arg629fs; shifts the reading frame from arginine 629.
Molecular consequence: frameshift variant.
Genome position (GRCh38, 1-based): chr14:64,793,778, G deleted on the plus strand (C on the coding strand, the reverse complement: SPTB is on the minus strand). VCF-style (leftmost placement, unchanged base first): chr14-64793777-CG-C. GRCh37 (hg19) VCF-style: chr14-65260495-CG-C.
Other names: p.Arg629Glyfs*41; c.1885del, p.Arg629fs (NM_001024858.4, NM_001355437.2); short protein forms R629fs.
Identifiers: ClinVar variation 4541859 (VCV004541859.1).
Genomic context (GRCh38, chr14:64,793,777, plus strand): 5'-GCCTCATCCATCTCCCAGAAGAACTTCCAGAGTCGTTTGGACTGCTCCAGTTGGGCCTTC[CG>C]CCCAGCTGCCATGTTGCTCAGCTCCTCAAAGCACTGCTCCAAGTGGCTGATGCGGTCCTG-3'